The following is an entry in ClinVar:

NM_001374736.1(DST):c.15033dup (p.Glu5012Ter)

Gene: DST (dystonin; minus strand). Cytogenetic location: 6p12.1.
Variant type: Duplication.
Coding change: c.15033dup on transcript NM_001374736.1 (MANE Select); coding-DNA position 15033, one base duplicated (T; older notation c.15033dupT).
Protein change: p.Glu5012Ter; replaces glutamic acid 5012 with a stop codon.
Molecular consequence: nonsense.
Genome position (GRCh38, 1-based): chr6:56,555,448, A duplicated on the plus strand (T on the coding strand, the reverse complement: DST is on the minus strand). VCF-style (leftmost placement, unchanged base first): chr6-56555447-C-CA. GRCh37 (hg19) VCF-style: chr6-56420245-C-CA.
Other names: c.8676dup, p.Glu2893Ter (NM_001144769.5); c.8262dup, p.Glu2755Ter (NM_001144770.2); c.15033dup, p.Glu5012Ter (NM_001374722.1); c.14400dup, p.Glu4801Ter (NM_001374729.1); c.8142dup, p.Glu2715Ter (NM_001374730.1, NM_001386100.1, NM_183380.4); c.15060dup, p.Glu5021Ter (NM_001374734.1); c.7164dup, p.Glu2389Ter (NM_015548.5); short protein forms E2389*, E2715*, E2755*, E2893*, E4801*, E5012*, E5021*.
Identifiers: ClinVar variation 3758038 (VCV003758038.2).

ClinVar aggregate classification (germline): Pathogenic (1 of 4 stars; one submission).

Conditions:
Epidermolysis bullosa simplex 3, localized or generalized intermediate, with BP230 deficiency (EBS3). Also called: Epidermolysis bullosa simplex, autosomal recessive 2; Epidermolysis bullosa simplex due to BP230 deficiency. Identifiers: Orphanet 412181, MedGen C3809470, MONDO:0014180, OMIM 615425.
Hereditary sensory and autonomic neuropathy type 6. Also called: HSAN VI; Neuropathy, hereditary sensory and autonomic, type VI. Identifiers: Orphanet 314381, MedGen C3539003, MONDO:0013839, OMIM 614653.

Submission:

Labcorp Genetics (formerly Invitae), Labcorp
Classification: Pathogenic for Epidermolysis bullosa simplex 3, localized or generalized intermediate, with BP230 deficiency; Hereditary sensory and autonomic neuropathy type 6. Last evaluated: 2025-01-08. Review status: criteria provided, single submitter. Criteria: Invitae Variant Classification Sherloc (09022015). Collection method: clinical testing. Allele origin: germline.
Comment: The DST gene has multiple clinically relevant transcripts. This variant occurs in alternate transcript NM_015548.4, and corresponds to NM_001723.5:c.*60069_*60070insT in the primary transcript. This sequence change creates a premature translational stop signal (p.Glu2389*) in the DST gene. It is expected to result in an absent or disrupted protein product. Loss-of-function variants in DST are known to be pathogenic (PMID: 22522446, 25059916, 30371979). This variant is not present in population databases (gnomAD no frequency). This variant has not been reported in the literature in individuals affected with DST-related conditions. For these reasons, this variant has been classified as Pathogenic.

Literature cited by the submitters: PubMed 22522446; PubMed 25059916; PubMed 30371979.